The following is an entry in ClinVar:

ClinVar aggregate classification (germline): Uncertain significance (1 of 4 stars; one submission).

Allele frequency attached by ClinVar (database versions not stated): ESP Exome Variant Server 0.00008; gnomAD exomes 0.00012 and 0.00026; TOPMed 0.00012; ExAC 0.00014; gnomAD 0.00014 and 0.00016; 1000 Genomes Project 30x 0.00016; 1000 Genomes Project 0.00020.
gnomAD v4.1: 400 of 1,614,174 alleles (0.025%); highest among the groups gnomAD compares: Non-Finnish European, 0.032%; no homozygotes.

Submission:

Labcorp Genetics (formerly Invitae), Labcorp
Classification: Uncertain significance. Last evaluated: 2023-07-10. Review status: criteria provided, single submitter. Criteria: Invitae Variant Classification Sherloc (09022015). Collection method: clinical testing. Allele origin: germline.
Comment: This sequence change replaces tyrosine, which is neutral and polar, with cysteine, which is neutral and slightly polar, at codon 35 of the MFF protein (p.Tyr35Cys). This variant is present in population databases (rs200132653, gnomAD 0.03%). This variant has not been reported in the literature in individuals affected with MFF-related conditions. ClinVar contains an entry for this variant (Variation ID: 1415951). An algorithm developed to predict the effect of missense changes on protein structure and function (PolyPhen-2) suggests that this variant is likely to be disruptive. In summary, the available evidence is currently insufficient to determine the role of this variant in disease. Therefore, it has been classified as a Variant of Uncertain Significance.

NM_001277062.2(MFF):c.26A>G (p.Tyr9Cys)

Gene: MFF (mitochondrial fission factor; plus strand). Cytogenetic location: 2q36.3.
Variant type: single nucleotide variant.
Coding change: c.26A>G on transcript NM_001277062.2 (MANE Select); coding-DNA position 26, A replaced by G.
Protein change: p.Tyr9Cys; replaces tyrosine 9 with cysteine.
Molecular consequence: missense variant. On other transcripts: intron variant (1).
Genome position (GRCh38, 1-based): chr2:227,330,691, A>G. VCF-style: chr2-227330691-A-G. GRCh37 (hg19) VCF-style: chr2-228195407-A-G.
Other names: c.104A>G, p.Tyr35Cys (NM_001277061.2, NM_020194.5); c.26A>G, p.Tyr9Cys (NM_001277063.2, NM_001277064.2, NM_001277065.2 and 2 more transcripts); c.-35-90A>G (NM_001277067.1); short protein forms Y35C, Y9C.
Identifiers: ClinVar variation 1415951 (VCV001415951.6), dbSNP rs200132653, ClinGen allele CA2147779.